The following is an entry in ClinVar:

ClinVar aggregate classification (germline): Benign. Review status: criteria provided, multiple submitters, no conflicts (2 of 4 stars). 4 submissions from 3 submitters: Benign (4). Last evaluated 2021-05-14.

Conditions:
Leigh syndrome (NULS). Also called: Leigh's syndrome; Leigh Syndrome (mtDNA deletion); Leigh Disease; Leigh's necrotizing encephalopathy; Leigh's disease; Subacute necrotizing encephalopathy. Identifiers: Orphanet 506, MedGen C2931891, MONDO:0009723, OMIM 256000.
Mitochondrial complex I deficiency, nuclear type 1. Also called: NADH-COENZYME Q REDUCTASE DEFICIENCY; MITOCHONDRIAL NADH DEHYDROGENASE COMPONENT OF COMPLEX I, DEFICIENCY OF. Identifiers: MedGen C6022305, MONDO:0100224, OMIM 252010.

Allele frequency attached by ClinVar (database versions not stated): 1000 Genomes Project 30x 0.09463; 1000 Genomes Project 0.09784; TOPMed 0.11007; gnomAD 0.11433 and 0.11534; gnomAD exomes 0.14655.
gnomAD v4.1: 53,366 of 396,468 alleles (13%); highest among the groups gnomAD compares: South Asian, 16%; 4,008 homozygotes.

Submissions (4):

GeneDx
Classification: Benign. Last evaluated: 2021-05-14. Review status: criteria provided, single submitter. Criteria: GeneDx Variant Classification Process June 2021. Collection method: clinical testing. Allele origin: germline. Affected: yes.

Illumina Laboratory Services, Illumina
Classification: Benign for Leigh syndrome. Last evaluated: 2018-01-13. Review status: criteria provided, single submitter. Criteria: ICSL Variant Classification Criteria 13 December 2019. Collection method: clinical testing. Allele origin: germline.
Comment: This variant was observed in the ICSL laboratory as part of a predisposition screen in an ostensibly healthy population. It had not been previously curated by ICSL or reported in the Human Gene Mutation Database (HGMD: prior to June 1st, 2018), and was therefore a candidate for classification through an automated scoring system. Utilizing variant allele frequency, disease prevalence and penetrance estimates, and inheritance mode, an automated score was calculated to assess if this variant is too frequent to cause the disease. Based on the score and internal cut-off values, a variant classified as benign is not then subjected to further curation. The score for this variant resulted in a classification of benign for this disease.

Illumina Laboratory Services, Illumina
Classification: Benign for Mitochondrial complex I deficiency, nuclear type 1. Last evaluated: 2018-01-13. Review status: criteria provided, single submitter. Criteria: ICSL Variant Classification Criteria 13 December 2019. Collection method: clinical testing. Allele origin: germline.
Comment: the same text as in the submission from Illumina Laboratory Services, Illumina above.

Breakthrough Genomics
Classification: Benign. Review status: criteria provided, single submitter. Criteria: ACMG Guidelines, 2015. Collection method: not provided. Allele origin: germline. Inheritance: Autosomal recessive inheritance. Affected: yes.

NM_004544.4(NDUFA10):c.*2309G>A

Gene: NDUFA10 (NADH:ubiquinone oxidoreductase subunit A10; minus strand). Cytogenetic location: 2q37.3.
Variant type: single nucleotide variant.
Coding change: c.*2309G>A on transcript NM_004544.4 (MANE Select); 2309 bases downstream of the stop codon, G replaced by A.
Molecular consequence: 3 prime UTR variant. On other transcripts: non-coding transcript variant (3).
Genome position (GRCh38, 1-based): chr2:239,958,809, C>T on the plus strand (G>A on the coding strand, the complement: NDUFA10 is on the minus strand). VCF-style: chr2-239958809-C-T. GRCh37 (hg19) VCF-style: chr2-240898226-C-T.
Other names: c.*2314G>A (NM_001322020.2).
Identifiers: ClinVar variation 335168 (VCV000335168.9), dbSNP rs1132778, ClinGen allele CA10614930.